The following is an entry in ClinVar:

NM_000059.4(BRCA2):c.6191A>G (p.Lys2064Arg)

Gene: BRCA2 (BRCA2 DNA repair associated; plus strand). Cytogenetic location: 13q13.1.
Variant type: single nucleotide variant.
Coding change: c.6191A>G on transcript NM_000059.4 (MANE Select); coding-DNA position 6191, A replaced by G.
Protein change: p.Lys2064Arg; replaces lysine 2064 with arginine.
Molecular consequence: missense variant.
Genome position (GRCh38, 1-based): chr13:32,340,546, A>G. VCF-style: chr13-32340546-A-G. GRCh37 (hg19) VCF-style: chr13-32914683-A-G.
Other names: short protein forms K2064R.
Identifiers: ClinVar variation 5033365 (VCV005033365.1).

ClinVar aggregate classification (germline): Uncertain significance (1 of 4 stars; one submission).

Conditions:
Hereditary cancer-predisposing syndrome. Also called: Neoplastic Syndromes, Hereditary; Tumor predisposition; Hereditary Cancer Syndrome; Hereditary neoplastic syndrome. Identifiers: Orphanet 140162, MedGen C0027672, MeSH D009386, MONDO:0015356.

Submission:

Ambry Genetics
Classification: Uncertain significance for Hereditary cancer-predisposing syndrome. Last evaluated: 2026-09-04. Review status: criteria provided, single submitter. Criteria: Ambry Variant Classification Scheme 2023. Collection method: clinical testing. Allele origin: germline.
Comment: The p.K2064R variant (also known as c.6191A>G), located in coding exon 10 of the BRCA2 gene, results from an A to G substitution at nucleotide position 6191. The lysine at codon 2064 is replaced by arginine, an amino acid with highly similar properties. This amino acid position is conserved. In addition, the in silico prediction for this alteration is inconclusive. Based on the available evidence, the clinical significance of this variant remains unclear.